The following is an entry in ClinVar:

NM_001386140.1(MTTP):c.2666C>A (p.Thr889Asn)

Gene: MTTP (microsomal triglyceride transfer protein; plus strand). Cytogenetic location: 4q23.
Variant type: single nucleotide variant.
Coding change: c.2666C>A on transcript NM_001386140.1 (MANE Select); coding-DNA position 2666, C replaced by A.
Protein change: p.Thr889Asn; replaces threonine 889 with asparagine.
Molecular consequence: missense variant.
Genome position (GRCh38, 1-based): chr4:99,622,829, C>A. VCF-style: chr4-99622829-C-A. GRCh37 (hg19) VCF-style: chr4-100543986-C-A.
Other names: c.2666C>A, p.Thr889Asn (NM_000253.4); c.2417C>A, p.Thr806Asn (NM_001300785.2); short protein forms T806N, T889N.
Identifiers: ClinVar variation 989818 (VCV000989818.3), dbSNP rs1459889971, ClinGen allele CA357520801.

ClinVar aggregate classification (germline): Uncertain significance. Review status: criteria provided, single submitter (1 of 4 stars). 2 submissions from 2 submitters: Uncertain significance (1). 1 of the submissions does not count toward it. Last evaluated 2022-11-01.

Conditions:
Abetalipoproteinaemia (ABL). Also called: MTP DEFICIENCY; Abetalipoproteinemia; Abetalipoproteinemia neuropathy; Apolipoprotein B deficiency; Congenital betalipoprotein deficiency syndrome. Identifiers: Orphanet 14, MedGen C0000744, MONDO:0008692, OMIM 200100, HP:0008181.

Allele frequency attached by ClinVar (database versions not stated): gnomAD exomes below 0.00001 and 0.00001; gnomAD 0.00001.
gnomAD v4.1: 14 of 1,614,002 alleles (0.00087%); highest among the groups gnomAD compares: African/African-American, 0.0013%; no homozygotes.

Submissions (2):

Labcorp Genetics (formerly Invitae), Labcorp
Classification: Uncertain significance. Last evaluated: 2022-11-01. Review status: criteria provided, single submitter. Criteria: Invitae Variant Classification Sherloc (09022015). Collection method: clinical testing. Allele origin: germline.
Comment: This sequence change replaces threonine, which is neutral and polar, with asparagine, which is neutral and polar, at codon 889 of the MTTP protein (p.Thr889Asn). This variant is present in population databases (no rsID available, gnomAD 0.0009%). This variant has not been reported in the literature in individuals affected with MTTP-related conditions. ClinVar contains an entry for this variant (Variation ID: 989818). Algorithms developed to predict the effect of missense changes on protein structure and function output the following: SIFT: "Tolerated"; PolyPhen-2: "Benign"; Align-GVGD: "Class C0". The asparagine amino acid residue is found in multiple mammalian species, which suggests that this missense change does not adversely affect protein function. In summary, the available evidence is currently insufficient to determine the role of this variant in disease. Therefore, it has been classified as a Variant of Uncertain Significance.

Natera, Inc.
Classification: Uncertain significance for Abetalipoproteinemia. Last evaluated: 2020-09-04. Review status: no assertion criteria provided. Collection method: clinical testing. Allele origin: germline. Not counted in ClinVar's aggregate classification.